The following is an entry in ClinVar:

NM_001042492.3(NF1):c.7611G>A (p.Leu2537=)

Gene: NF1 (neurofibromin 1; plus strand). Cytogenetic location: 17q11.2.
Variant type: single nucleotide variant.
Coding change: c.7611G>A on transcript NM_001042492.3 (MANE Select); coding-DNA position 7611, G replaced by A.
Protein change: p.Leu2537=; no amino-acid change (leucine 2537 retained).
Molecular consequence: synonymous variant.
Genome position (GRCh38, 1-based): chr17:31,352,410, G>A. VCF-style: chr17-31352410-G-A. GRCh37 (hg19) VCF-style: chr17-29679428-G-A.
Other names: c.7548G>A, p.Leu2516= (NM_000267.4).
Identifiers: ClinVar variation 793640 (VCV000793640.20), dbSNP rs1597862289, ClinGen allele CA499239325.

ClinVar aggregate classification (germline): Likely benign. Review status: criteria provided, multiple submitters, no conflicts (2 of 4 stars). 3 submissions from 3 submitters: Likely benign (3). Last evaluated 2025-08-01.

Conditions:
Neurofibromatosis, type 1 (NF1). Also called: VON RECKLINGHAUSEN DISEASE; Peripheral type neurofibromatosis; Neurofibromatosis, type I; NEUROFIBROMATOSIS, TYPE I, SOMATIC. Identifiers: MONDO:0018975, OMIM 162200, Orphanet 636, MedGen C0027831. Disease mechanism: loss of function.
Hereditary cancer-predisposing syndrome. Also called: Tumor predisposition; Neoplastic Syndromes, Hereditary; Hereditary Cancer Syndrome; Hereditary neoplastic syndrome. Identifiers: Orphanet 140162, MedGen C0027672, MeSH D009386, MONDO:0015356.
Cardiovascular phenotype. Identifiers: MedGen CN230736.

Submissions (3):

CeGaT Center for Human Genetics Tuebingen
Classification: Likely benign. Last evaluated: 2025-08-01. Review status: criteria provided, single submitter. Criteria: CeGaT Center For Human Genetics Tuebingen Variant Classification Criteria Version 2. Collection method: clinical testing. Allele origin: germline. Affected: yes. Observed: 1 variant allele.
Comment: NF1: PM2:Supporting, BP4, BP7

Labcorp Genetics (formerly Invitae), Labcorp
Classification: Likely benign for Neurofibromatosis, type 1. Last evaluated: 2023-05-22. Review status: criteria provided, single submitter. Criteria: Invitae Variant Classification Sherloc (09022015). Collection method: clinical testing. Allele origin: germline.

Ambry Genetics
Classification: Likely benign for Cardiovascular phenotype; Hereditary cancer-predisposing syndrome. Last evaluated: 2021-11-02. Review status: criteria provided, single submitter. Criteria: Ambry Variant Classification Scheme 2023. Collection method: clinical testing. Allele origin: germline.